The following is an entry in ClinVar:

ClinVar aggregate classification (germline): Uncertain significance. Review status: criteria provided, multiple submitters, no conflicts (2 of 4 stars). 2 submissions from 2 submitters: Uncertain significance (2). Last evaluated 2021-03-14.

Conditions:
Long QT syndrome (LQTS). Identifiers: MedGen C0023976, MeSH D008133, MONDO:0002442. Disease mechanism: loss of function. Inheritance: Various modes of inheritance.

Submissions (2):

Labcorp Genetics (formerly Invitae), Labcorp
Classification: Uncertain significance for Long QT syndrome. Last evaluated: 2021-03-14. Review status: criteria provided, single submitter. Criteria: Invitae Variant Classification Sherloc (09022015). Collection method: clinical testing. Allele origin: germline.
Comment: In summary, the available evidence is currently insufficient to determine the role of this variant in disease. Therefore, it has been classified as a Variant of Uncertain Significance. Algorithms developed to predict the effect of sequence changes on RNA splicing suggest that this variant may disrupt the consensus splice site, but this prediction has not been confirmed by published transcriptional studies. This variant has not been reported in the literature in individuals with AKAP9-related conditions. This variant is not present in population databases (ExAC no frequency). This sequence change affects an acceptor splice site in intron 24 of the AKAP9 gene. It is expected to disrupt RNA splicing. Variants that disrupt the donor or acceptor splice site typically lead to a loss of protein function (PMID: 16199547), however the current clinical and genetic evidence is not sufficient to establish whether loss-of-function variants in AKAP9 cause disease.

Breakthrough Genomics
Classification: Uncertain significance. Review status: criteria provided, single submitter. Criteria: ACMG Guidelines, 2015. Collection method: not provided. Allele origin: germline. Inheritance: Autosomal recessive inheritance. Affected: yes.

Literature cited by the submitters: PubMed 16199547 (cited by Labcorp Genetics (formerly Invitae), Labcorp).

NM_005751.5(AKAP9):c.5978-1_5978del

Gene: AKAP9 (A-kinase anchoring protein 9; plus strand). Cytogenetic location: 7q21.2.
Variant type: Deletion.
Coding change: c.5978-1_5978del on transcript NM_005751.5 (MANE Select); the canonical splice acceptor site of the intron before coding-DNA position 5978 through coding-DNA position 5978, 2 bases deleted (GA; older notation c.5978-1_5978delGA).
Molecular consequence: splice acceptor variant.
Genome position (GRCh38, 1-based): chr7:92,065,230-92,065,231, GA deleted; deleting any 2 consecutive bases within chr7:92,065,229-92,065,231 gives the same sequence; the c. name uses the placement nearest the transcript's 3' end. VCF-style (leftmost placement, unchanged base first): chr7-92065228-CAG-C. GRCh37 (hg19) VCF-style: chr7-91694542-CAG-C.
Other names: c.5978-1_5978del (NM_147185.3); c.623-1_623del (NM_001379277.1).
Identifiers: ClinVar variation 1468630 (VCV001468630.7), dbSNP rs2130830320, ClinGen allele CA2573142399.